The following is an entry in ClinVar:

ClinVar aggregate classification (germline): Uncertain significance. Review status: criteria provided, multiple submitters, no conflicts (2 of 4 stars). 2 submissions from 2 submitters: Uncertain significance (2). Last evaluated 2024-04-17.

Conditions:
DICER1-related tumor predisposition. Also called: DICER1 syndrome; DICER1-related pleuropulmonary blastoma cancer predisposition syndrome. Identifiers: Orphanet 284343, MedGen C3839822, MONDO:0100216.
Hereditary cancer-predisposing syndrome. Also called: Neoplastic Syndromes, Hereditary; Tumor predisposition; Hereditary Cancer Syndrome; Hereditary neoplastic syndrome. Identifiers: Orphanet 140162, MedGen C0027672, MeSH D009386, MONDO:0015356.

Allele frequency attached by ClinVar (database versions not stated): gnomAD exomes below 0.00001.
gnomAD v4.1: 1 of 1,614,148 alleles (0.000062%); highest among the groups gnomAD compares: Non-Finnish European, 0.000085%; no homozygotes.

Submissions (2):

Labcorp Genetics (formerly Invitae), Labcorp
Classification: Uncertain significance for DICER1-related tumor predisposition. Last evaluated: 2024-04-17. Review status: criteria provided, single submitter. Criteria: Invitae Variant Classification Sherloc (09022015). Collection method: clinical testing. Allele origin: germline.
Comment: This sequence change replaces alanine, which is neutral and non-polar, with valine, which is neutral and non-polar, at codon 1067 of the DICER1 protein (p.Ala1067Val). This variant is not present in population databases (gnomAD no frequency). This variant has not been reported in the literature in individuals affected with DICER1-related conditions. ClinVar contains an entry for this variant (Variation ID: 1728812). Advanced modeling of protein sequence and biophysical properties (such as structural, functional, and spatial information, amino acid conservation, physicochemical variation, residue mobility, and thermodynamic stability) has been performed at Invitae for this missense variant, however the output from this modeling did not meet the statistical confidence thresholds required to predict the impact of this variant on DICER1 protein function. In summary, the available evidence is currently insufficient to determine the role of this variant in disease. Therefore, it has been classified as a Variant of Uncertain Significance.

Ambry Genetics
Classification: Uncertain significance for Hereditary cancer-predisposing syndrome. Last evaluated: 2020-10-08. Review status: criteria provided, single submitter. Criteria: Ambry Variant Classification Scheme 2023. Collection method: clinical testing. Allele origin: germline.
Comment: The p.A1067V variant (also known as c.3200C>T), located in coding exon 19 of the DICER1 gene, results from a C to T substitution at nucleotide position 3200. The alanine at codon 1067 is replaced by valine, an amino acid with similar properties. This amino acid position is highly conserved in available vertebrate species. In addition, this alteration is predicted to be deleterious by in silico analysis. Since supporting evidence is limited at this time, the clinical significance of this alteration remains unclear.

NM_177438.3(DICER1):c.3200C>T (p.Ala1067Val)

Gene: DICER1 (dicer 1, ribonuclease III; minus strand). Cytogenetic location: 14q32.13.
Variant type: single nucleotide variant.
Coding change: c.3200C>T on transcript NM_177438.3 (MANE Select); coding-DNA position 3200, C replaced by T.
Protein change: p.Ala1067Val; replaces alanine 1067 with valine.
Molecular consequence: missense variant. On other transcripts: non-coding transcript variant (6).
Genome position (GRCh38, 1-based): chr14:95,105,140, G>A on the plus strand (C>T on the coding strand, the complement: DICER1 is on the minus strand). VCF-style: chr14-95105140-G-A. GRCh37 (hg19) VCF-style: chr14-95571477-G-A.
Other names: c.3200C>T, p.Ala1067Val (NM_001195573.1, NM_001271282.3, NM_001291628.2 and 13 more transcripts); c.2918C>T, p.Ala973Val (NM_001395686.1); c.2795C>T, p.Ala932Val (NM_001395687.1, NM_001395688.1, NM_001395689.1 and 2 more transcripts); c.2633C>T, p.Ala878Val (NM_001395691.1); c.1517C>T, p.Ala506Val (NM_001395697.1); short protein forms A878V, A973V, A1067V, A932V, A506V.
Identifiers: ClinVar variation 1728812 (VCV001728812.4), dbSNP rs2139986568, ClinGen allele CA390876540.
Genomic context (GRCh38, chr14:95,105,140, plus strand): 5'-GCAGGAAGTGATCTGACTCCCACGCCAGCATCGCTGGCAGTCTGGGCTCTTAGCTCCTCT[G>A]CAGTCAAAAGGCAGTGAAGGCGATAAAGTATGCTGGGGAGACAAACAGCTTTTCTCCACA-3'
Protein context (NP_803187.1, residues 1057-1077): ILYRLHCLLT[Ala1067Val]EELRAQTASD